The following is an entry in ClinVar:

ClinVar aggregate classification (germline): Conflicting classifications of pathogenicity. Review status: criteria provided, conflicting classifications (1 of 4 stars). 12 submissions from 12 submitters: Uncertain significance (8); Likely benign (3). 1 of the submissions does not count toward it. Last evaluated 2026-06-03.

Conditions:
Marfan syndrome (MFS). Also called: FBN1-Related Marfan Syndrome; Marfan syndrome, classic; MARFAN SYNDROME, TYPE I; Marfan syndrome type 1; Marfan's syndrome. Identifiers: Orphanet 284963, Orphanet 558, MedGen C0024796, MONDO:0007947, OMIM 154700.
Progeroid and marfanoid aspect-lipodystrophy syndrome. Also called: MARFANOID-PROGEROID-LIPODYSTROPHY SYNDROME; Marfan lipodystrophy syndrome; MARFANOID-PROGEROID SYNDROME; MARFAN-PROGEROID-LIPODYSTROPHY SYNDROME. Identifiers: Orphanet 300382, MedGen C4310796, MONDO:0014831, OMIM 616914.
MASS syndrome (OCTD). Also called: MASS PHENOTYPE; OVERLAP CONNECTIVE TISSUE DISEASE. Identifiers: MedGen C1858556, MONDO:0011431, OMIM 604308.
Geleophysic dysplasia 2 (GPHYSD2). Identifiers: Orphanet 2623, MedGen C3280054, MONDO:0013612, OMIM 614185.
Stiff skin syndrome (SSKS). Identifiers: Orphanet 2833, MedGen C1861456, MONDO:0008492, OMIM 184900.
Ectopia lentis 1, isolated, autosomal dominant (ECTOL1). Identifiers: Orphanet 1885, MedGen C3541518, MONDO:0007514, OMIM 129600.
Weill-Marchesani syndrome 2, dominant. Also called: Weill-Marchesani Syndrome, Autosomal Dominant; FBN1-Related Weill-Marchesani Syndrome. Identifiers: Orphanet 2084, MedGen C1869115, MONDO:0012013, OMIM 608328.
Acromicric dysplasia (ACMICD). Also called: Acromicric skeletal dysplasia. Identifiers: Orphanet 969, MedGen C0265287, MONDO:0007055, OMIM 102370.
Familial thoracic aortic aneurysm and aortic dissection (TAAD). Also called: Thoracic aortic aneurysms and dissections. Identifiers: Orphanet 91387, MedGen C4707243, MONDO:0019625.
FBN1-related disorder. Also called: FBN1-related disorders.

Allele frequency attached by ClinVar (database versions not stated): ExAC 0.00001; gnomAD exomes 0.00001; TOPMed 0.00027; gnomAD 0.00011 and 0.00014; 1000 Genomes Project 30x 0.00016; 1000 Genomes Project 0.00020.
gnomAD v4.1: 25 of 1,614,094 alleles (0.0015%); highest among the groups gnomAD compares: Admixed American, 0.033%; no homozygotes.

Submissions 1 to 8 of 12:

Women's Health and Genetics/Laboratory Corporation of America, LabCorp
Classification: Likely benign. Last evaluated: 2026-06-03. Review status: criteria provided, single submitter. Criteria: LabCorp Variant Classification Summary - May 2015. Collection method: clinical testing. Allele origin: germline.
Comment: Variant summary: FBN1 c.4001G>A (p.Gly1334Asp) results in a non-conservative amino acid change located in the EGF-like calcium-binding domain (IPR001881) of the encoded protein sequence. Algorithms developed to predict the effect of missense changes on protein structure and function are either unavailable or do not agree on the potential impact of this missense change. The variant allele was found at a frequency of 1.5e-05 in 1614094 control chromosomes, predominantly at a frequency of 0.00033 within the Latino subpopulation in the gnomAD database. The observed variant frequency within Latino control individuals in the gnomAD database exceeds the estimated maximal expected allele frequency for disease-causing variants in FBN1. c.4001G>A has been reported in the literature in individuals with Marfan Syndrome-like features but no definitive diagnosis (Delio_2015, Lerner-Ellis_2014). These reports do not provide unequivocal conclusions about association of the variant with Marfan Syndrome. Co-occurrences with pathogenic variants have been reported (FBN1 c.5788+1G>A; FBN1 c.6658C>T, p.Arg2220*; LabCorp). To our knowledge, no experimental evidence demonstrating an impact on protein function has been reported. The following publications have been ascertained in the context of this evaluation (PMID: 38665719, 26214305, 28301460, 24793577). ClinVar contains an entry for this variant (Variation ID: 42345). Based on the evidence outlined above, the variant was classified as likely benign.

Labcorp Genetics (formerly Invitae), Labcorp
Classification: Likely benign for Marfan syndrome; Familial thoracic aortic aneurysm and aortic dissection. Last evaluated: 2025-11-22. Review status: criteria provided, single submitter. Criteria: Invitae Variant Classification Sherloc (09022015). Collection method: clinical testing. Allele origin: germline.

ARUP Laboratories, Molecular Genetics and Genomics, ARUP Laboratories
Classification: Uncertain significance. Last evaluated: 2025-05-28. Review status: criteria provided, single submitter. Criteria: ARUP Molecular Germline Variant Investigation Process 2024. Collection method: clinical testing. Allele origin: germline.
Comment: The FBN1 c.4001G>A; p.Gly1334Asp variant (rs191989961, ClinVar Variation ID: 42345) is reported in the literature in multiple individuals with Marfan syndrome-like features (Delio 2015, Jimenez-Berrios 2024, Lerner-Ellis 2014, Thorpe 2024). This variant is found in the general population with an allele frequency of 0.001% (2/251238 alleles) in the Genome Aggregation Database (v2.1.1). Computational analyses predict that this variant is neutral (REVEL: 0.303). Due to limited information, the clinical significance of this variant is uncertain at this time. References: Delio M et al. Development of a Targeted Multi-Disorder High-Throughput Sequencing Assay for the Effective Identification of Disease-Causing Variants. PLoS One. 2015 Jul 27;10(7):e0133742. PMID: 26214305. Jimenez-Berrios GA et al. A Novel Variant in the FBN1 Gene Causing Marfan Syndrome: A Case Report. Cureus. 2024 Mar 26;16(3):e56948. PMID: 38665719. Lerner-Ellis JP et al. The spectrum of FBN1, TGFÃŸR1, TGFÃŸR2 and ACTA2 variants in 594 individuals with suspected Marfan Syndrome, Loeys-Dietz Syndrome or Thoracic Aortic Aneurysms and Dissections (TAAD). Mol Genet Metab. 2014 Jun;112(2):171-6. PMID: 24793577. Thorpe E et al. The impact of clinical genome sequencing in a global population with suspected rare genetic disease. Am J Hum Genet. 2024 Jul 11;111(7):1271-1281 PMID: 38843839.

All of Us Research Program, National Institutes of Health
Classification: Uncertain significance for Marfan syndrome. Last evaluated: 2024-09-23. Review status: criteria provided, single submitter. Criteria: ACMG Guidelines, 2015. Collection method: clinical testing. Allele origin: germline. Inheritance: Autosomal dominant inheritance. Observed: 28 variant alleles, 28 heterozygotes.
Comment: This missense variant replaces glycine with aspartic acid at codon 1334 of the FBN1 protein. Computational prediction suggests that this variant may not impact protein structure and function (internally defined REVEL score threshold <= 0.5, PMID: 27666373). To our knowledge, functional studies have not been reported for this variant. This variant has been reported in four individuals with Marfan syndrome-like features (PMID: 24793577, 26214305). Two of these individuals were twin siblings who were also affected with multiple other congenital abnormalities (PMID: 26214305). This variant has been observed to co-occur with another FBN1 variant (c.1006T>C, p.Cys336Arg) in an adolescent individual affected with Marfan syndrome ( doi:10.1164/ajrccm-conference.2022.205.1_MeetingAbstracts.A2052). This variant has been identified in 2/251238 chromosomes in the general population by the Genome Aggregation Database (gnomAD). The available evidence is insufficient to determine the role of this variant in disease conclusively. Therefore, this variant is classified as a Variant of Uncertain Significance.

This study involves interpretation of variants in research participants for the purpose of population health screening. Participant phenotype was not available at the time of variant classification. Additional details can be found in publication PMID: 35346344, PMCID: PMC8962531

Ambry Genetics
Classification: Likely benign for Familial thoracic aortic aneurysm and aortic dissection. Last evaluated: 2024-09-02. Review status: criteria provided, single submitter. Criteria: Ambry Variant Classification Scheme 2023. Collection method: clinical testing. Allele origin: germline.

Color Diagnostics, LLC DBA Color Health
Classification: Uncertain significance for Familial thoracic aortic aneurysm and aortic dissection. Last evaluated: 2024-02-09. Review status: criteria provided, single submitter. Criteria: ACMG Guidelines, 2015. Collection method: clinical testing. Allele origin: germline.
Comment: This missense variant replaces glycine with aspartic acid at codon 1334 of the FBN1 protein. Computational prediction tools indicate that this variant has a neutral impact on protein structure and function. To our knowledge, functional studies have not been reported for this variant. This variant has been reported in four individuals affected with Marfan syndrome-like features (PMID: 24793577, 26214305). Two of these individuals were twin siblings who were also affected with multiple other congenital abnormalities (PMID: 26214305). This variant has been observed to co-occur with another FBN1 variant (c.1006T>C, p.Cys336Arg) in an adolescent individual affected with Marfan syndrome (doi:10.1164/ajrccm-conference.2022.205.1_MeetingAbstracts.A2052). This variant has been identified in 2/251238 chromosomes in the general population by the Genome Aggregation Database (gnomAD). The available evidence is insufficient to determine the role of this variant in disease conclusively. Therefore, this variant is classified as a Variant of Uncertain Significance.

Blueprint Genetics
Classification: Uncertain significance. Last evaluated: 2022-10-24. Review status: criteria provided, single submitter. Criteria: ACMG Guidelines, 2015. Collection method: clinical testing. Allele origin: germline.

Fulgent Genetics
Classification: Uncertain significance for Acromicric dysplasia; Ectopia lentis 1, isolated, autosomal dominant; Marfan syndrome; Stiff skin syndrome; MASS syndrome; Weill-Marchesani syndrome 2, dominant; Geleophysic dysplasia 2; Progeroid and marfanoid aspect-lipodystrophy syndrome. Last evaluated: 2021-11-09. Review status: criteria provided, single submitter. Criteria: ACMG Guidelines, 2015. Collection method: clinical testing. Allele origin: unknown.

NM_000138.5(FBN1):c.4001G>A (p.Gly1334Asp)

Gene: FBN1 (fibrillin 1; minus strand). Cytogenetic location: 15q21.1.
Variant type: single nucleotide variant.
Coding change: c.4001G>A on transcript NM_000138.5 (MANE Select); coding-DNA position 4001, G replaced by A.
Protein change: p.Gly1334Asp; replaces glycine 1334 with aspartic acid.
Molecular consequence: missense variant.
Genome position (GRCh38, 1-based): chr15:48,474,614, C>T on the plus strand (G>A on the coding strand, the complement: FBN1 is on the minus strand). VCF-style: chr15-48474614-C-T. GRCh37 (hg19) VCF-style: chr15-48766811-C-T.
Other names: short protein forms G1334D.
Identifiers: ClinVar variation 42345 (VCV000042345.32), dbSNP rs191989961, ClinGen allele CA014688.